The following is an entry in ClinVar:

ClinVar aggregate classification (germline): Uncertain significance (1 of 4 stars; one submission).

Conditions:
Gastrointestinal stromal tumor. Also called: Gastrointestinal stromal tumor, somatic; Gastrointestinal stroma tumor. Identifiers: Orphanet 44890, MedGen C0238198, MeSH D046152, MONDO:0011719, OMIM 606764, HP:0100723.

Allele frequency attached by ClinVar (database versions not stated): gnomAD exomes below 0.00001.
gnomAD v4.1: 1 of 1,612,502 alleles (0.000062%); highest among the groups gnomAD compares: Non-Finnish European, 0.000085%; no homozygotes.

Submission:

Labcorp Genetics (formerly Invitae), Labcorp
Classification: Uncertain significance for Gastrointestinal stromal tumor. Last evaluated: 2018-02-24. Review status: criteria provided, single submitter. Criteria: Invitae Variant Classification Sherloc (09022015). Collection method: clinical testing. Allele origin: germline.
Comment: In summary, the available evidence is currently insufficient to determine the role of this variant in disease. Therefore, it has been classified as a Variant of Uncertain Significance. Algorithms developed to predict the effect of missense changes on protein structure and function (SIFT, PolyPhen-2, Align-GVGD) all suggest that this variant is likely to be disruptive, but these predictions have not been confirmed by published functional studies and their clinical significance is uncertain. This variant has not been reported in the literature in individuals with KIT-related disease. This variant is not present in population databases (ExAC no frequency). This sequence change replaces leucine with arginine at codon 379 of the KIT protein (p.Leu379Arg). The leucine residue is highly conserved and there is a moderate physicochemical difference between leucine and arginine.

NM_000222.3(KIT):c.1136T>G (p.Leu379Arg)

Gene: KIT (KIT proto-oncogene, receptor tyrosine kinase; plus strand). Cytogenetic location: 4q12.
Variant type: single nucleotide variant.
Coding change: c.1136T>G on transcript NM_000222.3 (MANE Select); coding-DNA position 1136, T replaced by G.
Protein change: p.Leu379Arg; replaces leucine 379 with arginine.
Molecular consequence: missense variant.
Genome position (GRCh38, 1-based): chr4:54,709,444, T>G. VCF-style: chr4-54709444-T-G. GRCh37 (hg19) VCF-style: chr4-55575610-T-G.
Other names: c.1136T>G, p.Leu379Arg (NM_001093772.2, NM_001385285.1, NM_001385286.1); c.1139T>G, p.Leu380Arg (NM_001385284.1, NM_001385288.1, NM_001385290.1 and 1 more transcripts); short protein forms L379R, L380R.
Identifiers: ClinVar variation 568367 (VCV000568367.9), dbSNP rs1459751065, ClinGen allele CA356902105.